The following is an entry in ClinVar:

ClinVar aggregate classification (germline): Conflicting classifications of pathogenicity. Review status: criteria provided, conflicting classifications (1 of 4 stars). 3 submissions from 3 submitters: Uncertain significance (2); Likely benign (1). Last evaluated 2025-07-08.

Conditions:
Genitopatellar syndrome (GTPTS). Also called: ABSENT PATELLAE, SCROTAL HYPOPLASIA, RENAL ANOMALIES, FACIAL DYSMORPHISM, AND MENTAL RETARDATION; Genitopatellar syndrome (GPS). Identifiers: Orphanet 85201, MedGen C1853566, MONDO:0011640, OMIM 606170.
Blepharophimosis - intellectual disability syndrome, SBBYS type (SBBYSS). Also called: Say-Barber-Biesecker-Young-Simpson variant of Ohdo Syndrome; Say-Barber-Biesecker Variant of Ohdo Syndrome; Ohdo syndrome, SBBYS variant; SBBYSS syndrome; Say-Barber-Biesecker-Young-Simpson syndrome; Young Simpson syndrome. Identifiers: Orphanet 3047, MedGen C1863557, MONDO:0011365, OMIM 603736.

Allele frequency attached by ClinVar (database versions not stated): gnomAD 0.00002 and 0.00003; gnomAD exomes 0.00002 and 0.00003; TOPMed 0.00003; ExAC 0.00004; ESP Exome Variant Server 0.00008; 1000 Genomes Project 0.00040; 1000 Genomes Project 30x 0.00047.
gnomAD v4.1: 43 of 1,614,154 alleles (0.0027%); highest among the groups gnomAD compares: East Asian, 0.011%; no homozygotes.

Submissions (3):

Labcorp Genetics (formerly Invitae), Labcorp
Classification: Likely benign for Genitopatellar syndrome. Last evaluated: 2025-07-08. Review status: criteria provided, single submitter. Criteria: Invitae Variant Classification Sherloc (09022015). Collection method: clinical testing. Allele origin: germline.

Fulgent Genetics
Classification: Uncertain significance for Blepharophimosis - intellectual disability syndrome, SBBYS type; Genitopatellar syndrome. Last evaluated: 2022-01-07. Review status: criteria provided, single submitter. Criteria: ACMG Guidelines, 2015. Collection method: clinical testing. Allele origin: unknown.

Baylor Genetics
Classification: Uncertain significance for Genitopatellar syndrome. Last evaluated: 2018-02-12. Review status: criteria provided, single submitter. Criteria: ACMG Guidelines, 2015. Collection method: clinical testing. Allele origin: paternal. Affected: yes.
Comment: This variant was determined to be of uncertain significance according to ACMG Guidelines, 2015 [PMID:25741868].

NM_012330.4(KAT6B):c.4834C>T (p.Arg1612Cys)

Gene: KAT6B (lysine acetyltransferase 6B; plus strand). Cytogenetic location: 10q22.2.
Variant type: single nucleotide variant.
Coding change: c.4834C>T on transcript NM_012330.4 (MANE Select); coding-DNA position 4834, C replaced by T.
Protein change: p.Arg1612Cys; replaces arginine 1612 with cysteine.
Molecular consequence: missense variant.
Genome position (GRCh38, 1-based): chr10:75,029,658, C>T. VCF-style: chr10-75029658-C-T. GRCh37 (hg19) VCF-style: chr10-76789416-C-T.
Other names: c.4285C>T, p.Arg1429Cys (NM_001256468.2, NM_001370138.1); c.3958C>T, p.Arg1320Cys (NM_001256469.2, NM_001370139.1, NM_001370140.1 and 2 more transcripts); c.3796C>T, p.Arg1266Cys (NM_001370132.1); c.3145C>T, p.Arg1049Cys (NM_001370133.1); c.2749C>T, p.Arg917Cys (NM_001370134.1); c.2491C>T, p.Arg831Cys (NM_001370135.1); c.4834C>T, p.Arg1612Cys (NM_001370136.1, NM_001370137.1); c.3769C>T, p.Arg1257Cys (NM_001370143.1, NM_001370144.1); short protein forms R1612C, R1266C, R831C, R917C, R1320C, R1429C, R1049C, R1257C.
Identifiers: ClinVar variation 300892 (VCV000300892.6), dbSNP rs140992439, ClinGen allele CA5565108.